The following is an entry in ClinVar:

NM_199420.4(POLQ):c.1930T>G (p.Leu644Val)

Gene: POLQ (DNA polymerase theta; minus strand). Cytogenetic location: 3q13.33.
Variant type: single nucleotide variant.
Coding change: c.1930T>G on transcript NM_199420.4 (MANE Select); coding-DNA position 1930, T replaced by G.
Protein change: p.Leu644Val; replaces leucine 644 with valine.
Molecular consequence: missense variant.
Genome position (GRCh38, 1-based): chr3:121,509,590, A>C on the plus strand (T>G on the coding strand, the complement: POLQ is on the minus strand). VCF-style: chr3-121509590-A-C. GRCh37 (hg19) VCF-style: chr3-121228437-A-C.
Other names: short protein forms L644V.
Identifiers: ClinVar variation 2449189 (VCV002449189.2), dbSNP rs2546801969, ClinGen allele CA354113261.

ClinVar aggregate classification (germline): Uncertain significance (1 of 4 stars; one submission).

Submission:

Ambry Genetics
Classification: Uncertain significance. Last evaluated: 2022-11-15. Review status: criteria provided, single submitter. Criteria: Ambry Variant Classification Scheme 2023. Collection method: clinical testing. Allele origin: germline.
Comment: The p.L644V variant (also known as c.1930T>G), located in coding exon 12 of the POLQ gene, results from a T to G substitution at nucleotide position 1930. The leucine at codon 644 is replaced by valine, an amino acid with highly similar properties. This amino acid position is conserved. In addition, the in silico prediction for this alteration is inconclusive. Since supporting evidence is limited at this time, the clinical significance of this alteration remains unclear.